The following is an entry in ClinVar:

NM_000264.5(PTCH1):c.1503+4C>A

Gene: PTCH1 (patched 1; minus strand). Cytogenetic location: 9q22.32.
Variant type: single nucleotide variant.
Coding change: c.1503+4C>A on transcript NM_000264.5 (MANE Select); 4 bases into the intron after coding-DNA position 1503, C replaced by A.
Molecular consequence: intron variant.
Genome position (GRCh38, 1-based): chr9:95,477,543, G>T on the plus strand (C>A on the coding strand, the complement: PTCH1 is on the minus strand). VCF-style: chr9-95477543-G-T. GRCh37 (hg19) VCF-style: chr9-98239825-G-T.
Other names: c.1503+4C>A (NM_000264.3); c.1500+4C>A (NM_001083603.3); c.1305+4C>A (NM_001083602.3); c.1347+512C>A (NM_001354918.2); c.1050+4C>A (NM_001083605.3, NM_001083604.3, NM_001083606.3 and 1 more transcripts).
Identifiers: ClinVar variation 2915739 (VCV002915739.4), dbSNP rs1418564113, ClinGen allele CA2739264779.

ClinVar aggregate classification (germline): Conflicting classifications of pathogenicity. Review status: criteria provided, conflicting classifications (1 of 4 stars). 2 submissions from 2 submitters: Uncertain significance (1); Likely benign (1). Last evaluated 2025-11-20.

Conditions:
Hereditary cancer-predisposing syndrome. Also called: Neoplastic Syndromes, Hereditary; Tumor predisposition; Hereditary neoplastic syndrome; Hereditary Cancer Syndrome. Identifiers: Orphanet 140162, MedGen C0027672, MeSH D009386, MONDO:0015356.
Gorlin syndrome. Also called: Basal cell nevus syndrome; Nevoid Basal Cell Carcinoma Syndrome. Identifiers: Orphanet 377, MedGen C0004779, MONDO:0007187.

Submissions (2):

Ambry Genetics
Classification: Uncertain significance for Hereditary cancer-predisposing syndrome. Last evaluated: 2025-11-20. Review status: criteria provided, single submitter. Criteria: Ambry Variant Classification Scheme 2023. Collection method: clinical testing. Allele origin: germline.
Comment: The c.1503+4C>A intronic variant results from a C to A substitution 4 nucleotides after coding exon 10 in the PTCH1 gene. This nucleotide position is well conserved in available vertebrate species. In silico splice site analysis predicts that this alteration will not have any significant effect on splicing. Based on the available evidence, the clinical significance of this variant remains unclear.

Labcorp Genetics (formerly Invitae), Labcorp
Classification: Likely benign for Gorlin syndrome. Last evaluated: 2023-12-15. Review status: criteria provided, single submitter. Criteria: Invitae Variant Classification Sherloc (09022015). Collection method: clinical testing. Allele origin: germline.